The following is an entry in ClinVar:

NM_014014.5(SNRNP200):c.5551A>C (p.Asn1851His)

Gene: SNRNP200 (small nuclear ribonucleoprotein U5 subunit 200; minus strand). Cytogenetic location: 2q11.2.
Variant type: single nucleotide variant.
Coding change: c.5551A>C on transcript NM_014014.5 (MANE Select); coding-DNA position 5551, A replaced by C.
Protein change: p.Asn1851His; replaces asparagine 1851 with histidine.
Molecular consequence: missense variant.
Genome position (GRCh38, 1-based): chr2:96,278,296, T>G on the plus strand (A>C on the coding strand, the complement: SNRNP200 is on the minus strand). VCF-style: chr2-96278296-T-G. GRCh37 (hg19) VCF-style: chr2-96944034-T-G.
Other names: short protein forms N1851H.
Identifiers: ClinVar variation 2992342 (VCV002992342.3), dbSNP rs748608977, ClinGen allele CA1777943.
Genomic context (GRCh38, chr2:96,278,296, plus strand): 5'-CCTGCCTCAGGAGATTGTCTTCATGGTGCCGGATGGGAATGTTCTCATACTCTGCTGCAT[T>G]GGAGATGATCTCGATAAGCCCTCGCACCTTGGTCTTGGCATTGAGGGACATGCTGAAGAG-3'
Protein context (NP_054733.2, residues 1841-1861): KVRGLIEIIS[Asn1851His]AAEYENIPIR

ClinVar aggregate classification (germline): Uncertain significance (1 of 4 stars; one submission).

Allele frequency attached by ClinVar (database versions not stated): TOPMed below 0.00001; gnomAD exomes 0.00002; ExAC 0.00004.
gnomAD v4.1: 10 of 1,614,202 alleles (0.00062%); highest among the groups gnomAD compares: Admixed American, 0.017%; no homozygotes.

Submission:

Labcorp Genetics (formerly Invitae), Labcorp
Classification: Uncertain significance. Last evaluated: 2025-07-10. Review status: criteria provided, single submitter. Criteria: Invitae Variant Classification Sherloc (09022015). Collection method: clinical testing. Allele origin: germline.
Comment: This sequence change replaces asparagine, which is neutral and polar, with histidine, which is basic and polar, at codon 1851 of the SNRNP200 protein (p.Asn1851His). This variant is present in population databases (rs748608977, gnomAD 0.03%). This variant has not been reported in the literature in individuals affected with SNRNP200-related conditions. ClinVar contains an entry for this variant (Variation ID: 2992342). Invitae Evidence Modeling of protein sequence and biophysical properties (such as structural, functional, and spatial information, amino acid conservation, physicochemical variation, residue mobility, and thermodynamic stability) indicates that this missense variant is not expected to disrupt SNRNP200 protein function with a negative predictive value of 95%. In summary, the available evidence is currently insufficient to determine the role of this variant in disease. Therefore, it has been classified as a Variant of Uncertain Significance.